The following is an entry in ClinVar:

NM_018089.3(ANKZF1):c.473C>T (p.Pro158Leu)

Gene: ANKZF1 (ankyrin repeat and zinc finger peptidyl tRNA hydrolase 1; plus strand). Cytogenetic location: 2q35.
Variant type: single nucleotide variant.
Coding change: c.473C>T on transcript NM_018089.3 (MANE Select); coding-DNA position 473, C replaced by T.
Protein change: p.Pro158Leu; replaces proline 158 with leucine.
Molecular consequence: missense variant. On other transcripts: 5 prime UTR variant (1).
Genome position (GRCh38, 1-based): chr2:219,232,598, C>T. VCF-style: chr2-219232598-C-T. GRCh37 (hg19) VCF-style: chr2-220097320-C-T.
Other names: c.473C>T, p.Pro158Leu (NM_001042410.2); c.-158C>T (NM_001282792.2); short protein forms P158L.
Identifiers: ClinVar variation 1915309 (VCV001915309.5), dbSNP rs768958693, ClinGen allele CA2120759.

ClinVar aggregate classification (germline): Uncertain significance (1 of 4 stars; one submission).

Allele frequency attached by ClinVar (database versions not stated): ExAC 0.00002.

Submission:

Labcorp Genetics (formerly Invitae), Labcorp
Classification: Uncertain significance. Last evaluated: 2025-01-23. Review status: criteria provided, single submitter. Criteria: Invitae Variant Classification Sherloc (09022015). Collection method: clinical testing. Allele origin: germline.
Comment: This sequence change replaces proline, which is neutral and non-polar, with leucine, which is neutral and non-polar, at codon 158 of the ANKZF1 protein (p.Pro158Leu). This variant is present in population databases (rs768958693, gnomAD 0.006%). This variant has not been reported in the literature in individuals affected with ANKZF1-related conditions. ClinVar contains an entry for this variant (Variation ID: 1915309). An algorithm developed to predict the effect of missense changes on protein structure and function (PolyPhen-2) suggests that this variant is likely to be tolerated. In summary, the available evidence is currently insufficient to determine the role of this variant in disease. Therefore, it has been classified as a Variant of Uncertain Significance.